The following is an entry in ClinVar:

NM_005862.3(STAG1):c.158C>T (p.Ser53Phe)

Gene: STAG1 (STAG1 cohesin complex component; minus strand). Cytogenetic location: 3q22.3.
Variant type: single nucleotide variant.
Coding change: c.158C>T on transcript NM_005862.3 (MANE Select); coding-DNA position 158, C replaced by T.
Protein change: p.Ser53Phe; replaces serine 53 with phenylalanine.
Molecular consequence: missense variant.
Genome position (GRCh38, 1-based): chr3:136,604,448, G>A on the plus strand (C>T on the coding strand, the complement: STAG1 is on the minus strand). VCF-style: chr3-136604448-G-A. GRCh37 (hg19) VCF-style: chr3-136323290-G-A.
Other names: short protein forms S53F.
Identifiers: ClinVar variation 3373257 (VCV003373257.1).

ClinVar aggregate classification (germline): Uncertain significance (1 of 4 stars; one submission).

Submission:

GeneDx
Classification: Uncertain significance. Last evaluated: 2024-04-29. Review status: criteria provided, single submitter. Criteria: GeneDx Variant Classification Process June 2021. Collection method: clinical testing. Allele origin: germline. Affected: yes.
Comment: Not observed at significant frequency in large population cohorts (gnomAD); In silico analysis supports that this missense variant has a deleterious effect on protein structure/function; Has not been previously published as pathogenic or benign to our knowledge